The following is an entry in ClinVar:

ClinVar aggregate classification (germline): Uncertain significance (1 of 4 stars; one submission).

Submission:

Labcorp Genetics (formerly Invitae), Labcorp
Classification: Uncertain significance. Last evaluated: 2023-08-17. Review status: criteria provided, single submitter. Criteria: Invitae Variant Classification Sherloc (09022015). Collection method: clinical testing. Allele origin: germline.
Comment: In summary, the available evidence is currently insufficient to determine the role of this variant in disease. Therefore, it has been classified as a Variant of Uncertain Significance. An algorithm developed to predict the effect of missense changes on protein structure and function (PolyPhen-2) suggests that this variant is likely to be tolerated. This variant has not been reported in the literature in individuals affected with IL6ST-related conditions. This variant is not present in population databases (gnomAD no frequency). This sequence change replaces threonine, which is neutral and polar, with alanine, which is neutral and non-polar, at codon 346 of the IL6ST protein (p.Thr346Ala).

NM_002184.4(IL6ST):c.1036A>G (p.Thr346Ala)

Gene: IL6ST (interleukin 6 cytokine family signal transducer; minus strand). Cytogenetic location: 5q11.2.
Variant type: single nucleotide variant.
Coding change: c.1036A>G on transcript NM_002184.4 (MANE Select); coding-DNA position 1036, A replaced by G.
Protein change: p.Thr346Ala; replaces threonine 346 with alanine.
Molecular consequence: missense variant. On other transcripts: non-coding transcript variant (2), intron variant (2).
Genome position (GRCh38, 1-based): chr5:55,957,229, T>C on the plus strand (A>G on the coding strand, the complement: IL6ST is on the minus strand). VCF-style: chr5-55957229-T-C. GRCh37 (hg19) VCF-style: chr5-55253057-T-C.
Other names: c.1036A>G, p.Thr346Ala (NM_001190981.2, NM_001364275.2); c.826A>G, p.Thr276Ala (NM_001364276.2); c.169A>G, p.Thr57Ala (NM_001364277.2); c.133A>G, p.Thr45Ala (NM_001364278.2); c.61-994A>G (NM_001364279.2); c.974-994A>G (NM_175767.3); short protein forms T346A, T57A, T276A, T45A.
Identifiers: ClinVar variation 2985500 (VCV002985500.3), dbSNP rs1008970305, ClinGen allele CA119048973.